The following is an entry in ClinVar:

ClinVar aggregate classification (germline): Likely benign (1 of 4 stars; one submission).

Conditions:
Leigh syndrome (NULS). Also called: Leigh's necrotizing encephalopathy; Leigh's disease; Leigh Syndrome (mtDNA deletion); Leigh Disease; Subacute necrotizing encephalopathy; Necrotizing encephalopathy infantile subacute of Leigh. Identifiers: Orphanet 506, MedGen C2931891, MONDO:0009723, OMIM 256000.

Submission:

Wong Mito Lab, Molecular and Human Genetics, Baylor College of Medicine
Classification: Likely benign for Leigh syndrome. Last evaluated: 2019-10-17. Review status: criteria provided, single submitter. Criteria: Modified ACMG Guidelines (Unpublished). Collection method: clinical testing. Allele origin: germline.
Comment: The NC_012920.1:m.3535T>A (YP_003024026.1:p.Leu77Met) variant in MTND1 gene is interpretated to be a Likely Benign variant based on the modified ACMG guidelines (unpublished). This variant meets the following evidence codes: BS4, BP6

NC_012920.1(MT-ND1):m.3535T>A

Gene: MT-ND1 (mitochondrially encoded NADH dehydrogenase 1; plus strand).
Variant type: single nucleotide variant.
Genome position: chrM-3535-T-A.
Identifiers: ClinVar variation 692369 (VCV000692369.1), dbSNP rs1603219004, ClinGen allele CA414772982.